The following is an entry in ClinVar:

ClinVar aggregate classification (germline): Uncertain significance (1 of 4 stars; one submission).

Conditions:
Hereditary cancer-predisposing syndrome. Also called: Neoplastic Syndromes, Hereditary; Tumor predisposition; Hereditary Cancer Syndrome; Hereditary neoplastic syndrome. Identifiers: Orphanet 140162, MedGen C0027672, MeSH D009386, MONDO:0015356.

Submission:

Color Diagnostics, LLC DBA Color Health
Classification: Uncertain significance for Hereditary cancer-predisposing syndrome. Last evaluated: 2024-03-06. Review status: criteria provided, single submitter. Criteria: ACMG Guidelines, 2015. Collection method: clinical testing. Allele origin: germline.
Comment: This missense variant replaces alanine with proline at codon 1302 of the MSH6 protein. Computational prediction suggests that this variant may have deleterious impact on protein structure and function (internally defined REVEL score threshold >= 0.7, PMID: 27666373). Splice site prediction tools suggest that this variant may not impact RNA splicing. To our knowledge, functional studies have not been performed for this variant. This variant has not been reported in individuals affected with hereditary cancer in the literature. This variant has not been identified in the general population by the Genome Aggregation Database (gnomAD). The available evidence is insufficient to determine the role of this variant in disease conclusively. Therefore, this variant is classified as a Variant of Uncertain Significance.

NM_000179.3(MSH6):c.3904G>C (p.Ala1302Pro)

Gene: MSH6 (mutS homolog 6; plus strand). Cytogenetic location: 2p16.3.
Variant type: single nucleotide variant.
Coding change: c.3904G>C on transcript NM_000179.3 (MANE Select); coding-DNA position 3904, G replaced by C.
Protein change: p.Ala1302Pro; replaces alanine 1302 with proline.
Molecular consequence: missense variant.
Genome position (GRCh38, 1-based): chr2:47,806,554, G>C. VCF-style: chr2-47806554-G-C. GRCh37 (hg19) VCF-style: chr2-48033693-G-C.
Other names: c.3514G>C, p.Ala1172Pro (NM_001281492.2); c.2998G>C, p.Ala1000Pro (NM_001281493.2, NM_001281494.2); short protein forms A1172P, A1000P, A1302P.
Identifiers: ClinVar variation 926133 (VCV000926133.4), dbSNP rs1553333561, ClinGen allele CA346761430.
Genomic context (GRCh38, chr2:47,806,554, plus strand): 5'-ACTATTACGTTCCTCTATAAATTCATTAAGGGAGCTTGTCCTAAAAGCTATGGCTTTAAT[G>C]CAGCAAGGCTTGCTAATCTCCCAGAGGAAGTTATTCAAAAGGGACATAGAAAAGCAAGAG-3'
Protein context (NP_000170.1, residues 1292-1312): GACPKSYGFN[Ala1302Pro]ARLANLPEEV